The following is an entry in ClinVar:

NM_020921.4(NIN):c.2867G>A (p.Cys956Tyr)

Gene: NIN (ninein; minus strand). Cytogenetic location: 14q22.1.
Variant type: single nucleotide variant.
Coding change: c.2867G>A on transcript NM_020921.4 (MANE Select); coding-DNA position 2867, G replaced by A.
Protein change: p.Cys956Tyr; replaces cysteine 956 with tyrosine.
Molecular consequence: missense variant. On other transcripts: intron variant (1).
Genome position (GRCh38, 1-based): chr14:50,758,163, C>T on the plus strand (G>A on the coding strand, the complement: NIN is on the minus strand). VCF-style: chr14-50758163-C-T. GRCh37 (hg19) VCF-style: chr14-51224881-C-T.
Other names: c.2867G>A, p.Cys956Tyr (NM_182944.3, NM_182946.2); c.2399+1694G>A (NM_016350.5); short protein forms C956Y.
Identifiers: ClinVar variation 2179440 (VCV002179440.4), dbSNP rs199887033, ClinGen allele CA7181849.
Genomic context (GRCh38, chr14:50,758,163, plus strand): 5'-TGTTCCATTTCTAGTCTTTCCAGCCGCTGGCTGGCCAGCTGCTCCGAAGCCCCTGCCTGG[C>T]ACAGGACCTCCTCACGCTCCCTCAGTTCCCTTTTGTGACTGCTCTTCAGCTCAAGTATCT-3'
Protein context (NP_065972.4, residues 946-966): RELREREEVL[Cys956Tyr]QAGASEQLAS

ClinVar aggregate classification (germline): Uncertain significance (1 of 4 stars; one submission).

Allele frequency attached by ClinVar (database versions not stated): gnomAD exomes 0.00001; ExAC 0.00006; TOPMed 0.00008; gnomAD 0.00010; 1000 Genomes Project 30x 0.00078; 1000 Genomes Project 0.00080.
gnomAD v4.1: 45 of 1,614,240 alleles (0.0028%); highest among the groups gnomAD compares: East Asian, 0.031%; no homozygotes.

Submission:

Labcorp Genetics (formerly Invitae), Labcorp
Classification: Uncertain significance. Last evaluated: 2023-12-11. Review status: criteria provided, single submitter. Criteria: Invitae Variant Classification Sherloc (09022015). Collection method: clinical testing. Allele origin: germline.
Comment: This sequence change replaces cysteine, which is neutral and slightly polar, with tyrosine, which is neutral and polar, at codon 956 of the NIN protein (p.Cys956Tyr). This variant is present in population databases (rs199887033, gnomAD 0.05%). This variant has not been reported in the literature in individuals affected with NIN-related conditions. ClinVar contains an entry for this variant (Variation ID: 2179440). An algorithm developed to predict the effect of missense changes on protein structure and function (PolyPhen-2) suggests that this variant is likely to be disruptive. In summary, the available evidence is currently insufficient to determine the role of this variant in disease. Therefore, it has been classified as a Variant of Uncertain Significance.